The following is an entry in ClinVar:

NM_007294.4(BRCA1):c.401C>A (p.Ala134Asp)

Gene: BRCA1 (BRCA1 DNA repair associated; minus strand). Cytogenetic location: 17q21.31.
Variant type: single nucleotide variant.
Coding change: c.401C>A on transcript NM_007294.4 (MANE Select); coding-DNA position 401, C replaced by A.
Protein change: p.Ala134Asp; replaces alanine 134 with aspartic acid.
Molecular consequence: missense variant. On other transcripts: non-coding transcript variant (1).
Genome position (GRCh38, 1-based): chr17:43,104,162, G>T on the plus strand (C>A on the coding strand, the complement: BRCA1 is on the minus strand). VCF-style: chr17-43104162-G-T. GRCh37 (hg19) VCF-style: chr17-41256179-G-T.
Other names: c.191C>A, p.Ala64Asp (NM_001407900.1, NM_001407902.1, NM_001407917.1 and 58 more transcripts); c.260C>A, p.Ala87Asp (NM_001407925.1, NM_001407926.1, NM_001407920.1 and 99 more transcripts); c.401C>A, p.Ala134Asp (NM_001407919.1, NM_001407980.1, NM_001407981.1 and 165 more transcripts); c.392C>A, p.Ala131Asp (NM_001408408.1, NM_001407646.1, NM_001407647.1); c.323C>A, p.Ala108Asp (NM_001408409.1, NM_001408411.1, NM_001408412.1 and 21 more transcripts); c.269C>A, p.Ala90Asp (NM_001408451.1); c.20C>A, p.Ala7Asp (NM_001408510.1, NM_001408512.1, NM_001407959.1 and 4 more transcripts); short protein forms A87D, A134D, A90D, A108D, A131D, A64D, A7D.
Identifiers: ClinVar variation 643188 (VCV000643188.11), dbSNP rs1597896583, ClinGen allele CA10601343.
Genomic context (GRCh38, chr17:43,104,162, plus strand): 5'-AAGAAAACAAATGGTTTTACCAAGGAAGGATTTTCGGGTTCACTCTGTAGAAGTCTTTTG[G>T]CACGGTTTCTGTAGCCCATACTTTGGATGATAGAAACTTCATCTTTTAGATGTTCAGGAG-3'
Protein context (NP_009225.1, residues 124-144): IIQSMGYRNR[Ala134Asp]KRLLQSEPEN

ClinVar aggregate classification (germline): Uncertain significance. Review status: criteria provided, multiple submitters, no conflicts (2 of 4 stars). 2 submissions from 2 submitters: Uncertain significance (2). Last evaluated 2023-06-23.

Conditions:
Hereditary breast ovarian cancer syndrome. Also called: Hereditary breast and ovarian cancer; Hereditary breast and ovarian cancer syndrome; Hereditary breast and ovarian cancer syndrome (HBOC); Hereditary breast and/or ovarian cancer syndrome; Breast and ovarian cancer; BRCA1- and BRCA2-Associated Hereditary Breast and Ovarian Cancer. Identifiers: Orphanet 145, MedGen C0677776, MeSH D061325, MONDO:0003582. Disease mechanism: loss of function.

Submissions (2):

GeneDx
Classification: Uncertain significance. Last evaluated: 2023-06-23. Review status: criteria provided, single submitter. Criteria: GeneDx Variant Classification Process June 2021. Collection method: clinical testing. Allele origin: germline. Affected: yes.
Comment: Not observed at significant frequency in large population cohorts (gnomAD); In silico analysis supports that this missense variant does not alter protein structure/function; Has not been previously published as pathogenic or benign to our knowledge; Also known as 520C>A

Labcorp Genetics (formerly Invitae), Labcorp
Classification: Uncertain significance for Hereditary breast ovarian cancer syndrome. Last evaluated: 2018-11-16. Review status: criteria provided, single submitter. Criteria: Invitae Variant Classification Sherloc (09022015). Collection method: clinical testing. Allele origin: germline.
Comment: In summary, the available evidence is currently insufficient to determine the role of this variant in disease. Therefore, it has been classified as a Variant of Uncertain Significance. Algorithms developed to predict the effect of missense changes on protein structure and function are either unavailable or do not agree on the potential impact of this missense change (SIFT: "Tolerated"; PolyPhen-2: "Possibly Damaging"; Align-GVGD: "Class C0"). This variant has not been reported in the literature in individuals with BRCA1-related disease. This variant is not present in population databases (ExAC no frequency). This sequence change replaces alanine with aspartic acid at codon 134 of the BRCA1 protein (p.Ala134Asp). The alanine residue is moderately conserved and there is a moderate physicochemical difference between alanine and aspartic acid.